The following is an entry in ClinVar:

NM_001242896.3(DEPDC5):c.4093G>A (p.Asp1365Asn)

Gene: DEPDC5 (DEP domain containing 5, GATOR1 subcomplex subunit; plus strand). Cytogenetic location: 22q12.3.
Variant type: single nucleotide variant.
Coding change: c.4093G>A on transcript NM_001242896.3 (MANE Select); coding-DNA position 4093, G replaced by A.
Protein change: p.Asp1365Asn; replaces aspartic acid 1365 with asparagine.
Molecular consequence: missense variant. On other transcripts: non-coding transcript variant (5).
Genome position (GRCh38, 1-based): chr22:31,893,641, G>A. VCF-style: chr22-31893641-G-A. GRCh37 (hg19) VCF-style: chr22-32289627-G-A.
Other names: c.4066G>A, p.Asp1356Asn (NM_001136029.4); c.3793G>A, p.Asp1265Asn (NM_001242897.2); c.4027G>A, p.Asp1343Asn (NM_001363852.2, NM_001364320.2); c.3859G>A, p.Asp1287Asn (NM_001363854.2, NM_001364319.2); c.4093G>A, p.Asp1365Asn (NM_001364318.2); c.4009G>A, p.Asp1337Asn (NM_001369901.1, NM_001369902.1); c.4000G>A, p.Asp1334Asn (NM_001369903.1, NM_014662.6); short protein forms D1334N, D1337N, D1356N, D1287N, D1265N, D1343N, D1365N.
Identifiers: ClinVar variation 1518732 (VCV001518732.9), dbSNP rs1191285429, ClinGen allele CA411286902.

ClinVar aggregate classification (germline): Uncertain significance. Review status: criteria provided, multiple submitters, no conflicts (2 of 4 stars). 2 submissions from 2 submitters: Uncertain significance (2). Last evaluated 2026-02-23.

Conditions:
Familial focal epilepsy with variable foci (FPEVF). Identifiers: Orphanet 98820, MedGen C1858477, MONDO:0020310.
Inborn genetic diseases. Identifiers: MedGen C0950123, MeSH D030342.

Allele frequency attached by ClinVar (database versions not stated): TOPMed below 0.00001; gnomAD exomes 0.00001.
gnomAD v4.1: 20 of 1,613,976 alleles (0.0012%); highest among the groups gnomAD compares: Non-Finnish European, 0.0017%; no homozygotes.

Submissions (2):

Ambry Genetics
Classification: Uncertain significance for Inborn genetic diseases. Last evaluated: 2026-02-23. Review status: criteria provided, single submitter. Criteria: Ambry Variant Classification Scheme 2023. Collection method: clinical testing. Allele origin: germline.

Labcorp Genetics (formerly Invitae), Labcorp
Classification: Uncertain significance for Familial focal epilepsy with variable foci. Last evaluated: 2025-05-14. Review status: criteria provided, single submitter. Criteria: Invitae Variant Classification Sherloc (09022015). Collection method: clinical testing. Allele origin: germline.
Comment: This sequence change replaces aspartic acid, which is acidic and polar, with asparagine, which is neutral and polar, at codon 1365 of the DEPDC5 protein (p.Asp1365Asn). This variant is not present in population databases (gnomAD no frequency). This variant has not been reported in the literature in individuals affected with DEPDC5-related conditions. ClinVar contains an entry for this variant (Variation ID: 1518732). Experimental studies and prediction algorithms are not available or were not evaluated, and the functional significance of this variant is currently unknown. In summary, the available evidence is currently insufficient to determine the role of this variant in disease. Therefore, it has been classified as a Variant of Uncertain Significance.